The following is an entry in ClinVar:

ClinVar aggregate classification (germline): Uncertain significance (1 of 4 stars; one submission).

Submission:

Labcorp Genetics (formerly Invitae), Labcorp
Classification: Uncertain significance. Last evaluated: 2021-09-05. Review status: criteria provided, single submitter. Criteria: Invitae Variant Classification Sherloc (09022015). Collection method: clinical testing. Allele origin: germline.
Comment: This sequence change replaces proline with alanine at codon 160 of the TPP1 protein (p.Pro160Ala). The proline residue is highly conserved and there is a small physicochemical difference between proline and alanine. This variant is not present in population databases (ExAC no frequency). This variant has not been reported in the literature in individuals affected with TPP1-related conditions. Advanced modeling of protein sequence and biophysical properties (such as structural, functional, and spatial information, amino acid conservation, physicochemical variation, residue mobility, and thermodynamic stability) performed at Invitae indicates that this missense variant is expected to disrupt TPP1 protein function. In summary, the available evidence is currently insufficient to determine the role of this variant in disease. Therefore, it has been classified as a Variant of Uncertain Significance.

NM_000391.4(TPP1):c.478C>G (p.Pro160Ala)

Gene: TPP1 (tripeptidyl peptidase 1; minus strand). Cytogenetic location: 11p15.4.
Variant type: single nucleotide variant.
Coding change: c.478C>G on transcript NM_000391.4 (MANE Select); coding-DNA position 478, C replaced by G.
Protein change: p.Pro160Ala; replaces proline 160 with alanine.
Molecular consequence: missense variant.
Genome position (GRCh38, 1-based): chr11:6,617,331, G>C on the plus strand (C>G on the coding strand, the complement: TPP1 is on the minus strand). VCF-style: chr11-6617331-G-C. GRCh37 (hg19) VCF-style: chr11-6638562-G-C.
Other names: short protein forms P160A.
Identifiers: ClinVar variation 1379786 (VCV001379786.6), dbSNP rs2134595606, ClinGen allele CA379475738.
Genomic context (GRCh38, chr11:6,617,331, plus strand): 5'-CCCAACCCCCATTCACCCCATAGGTGTTACCAAAGTCCACATGGGGGGCCAAGGCCTGTG[G>C]AAGCTGGTAGGGATGTGGGGACCTTACAACATGGGTTTCCGTAGGTCCTCCCACATAGTG-3'
Protein context (NP_000382.3, residues 150-170): VVRSPHPYQL[Pro160Ala]QALAPHVDFV